The following is an entry in ClinVar:

ClinVar aggregate classification (germline): other (4 of 4 stars; one submission).

Conditions:
Fragile X syndrome. Also called: Fragile X syndrome, type A; Fra(X) syndrome; Fragile X Syndrome (FXS); MARKER X SYNDROME; MARTIN-BELL SYNDROME; MENTAL RETARDATION, X-LINKED, ASSOCIATED WITH marXq28. Identifiers: Orphanet 449291, Orphanet 908, MedGen C0016667, MONDO:0010383, OMIM 300624. Disease mechanism: loss of function.

Submission:

American College of Medical Genetics and Genomics  (ACMG)
Classification: other for Fragile X syndrome. Last evaluated: 2013-03-19. Review status: practice guideline. Criteria: ACMG FXS Guidelines, 2013. Collection method: curation. Allele origin: germline. Inheritance: X-linked inheritance. Affected: no.
Comment: Alleles in this range can be considered normal in the sense that such alleles are not associated with fragile X syndrome and have not been observed to expand to a full mutation in one generation. Minor increases and decreases in repeat number can occur when alleles of this size are passed on, but there is no measurable risk of a child with fragile X syndrome in the next generation. Alleles of this size may be associated with fragile X syndrome in future generations or in distant relatives. Alleles in this range can be referred to as premutations if they are confirmed by family studies to be traceable to a known full mutation or unambiguous premutation.

NC_000023.10:g.146993570GGC[(45_54)]

Gene: FMR1 (fragile X messenger ribonucleoprotein 1; plus strand).
Variant type: Microsatellite.
Other names: c.-128GGC[45-54] (NM_002024.5).
Identifiers: ClinVar variation 973209 (VCV000973209.1).